The following is an entry in ClinVar:

ClinVar aggregate classification (germline): Conflicting classifications of pathogenicity. Review status: criteria provided, conflicting classifications (1 of 4 stars). 7 submissions from 7 submitters: Uncertain significance (3); Likely benign (3). 1 of the submissions does not count toward it. Last evaluated 2026-05-06.

Conditions:
PKHD1-related disorder. Also called: PKHD1-related condition.
Polycystic kidney disease 4 (PKD4). Also called: POLYCYSTIC KIDNEY AND HEPATIC DISEASE 1; POLYCYSTIC KIDNEY DISEASE, INFANTILE, TYPE I; PKD3; POLYCYSTIC KIDNEY DISEASE 4 WITH OR WITHOUT POLYCYSTIC LIVER DISEASE; Autosomal Recessive Polycystic Kidney Disease – PKHD1. Identifiers: MedGen C4540575, MONDO:0033004, OMIM 263200.
Autosomal recessive polycystic kidney disease (ARPKD). Also called: AR polycystic kidney disease. Identifiers: Orphanet 731, Orphanet 8378, MedGen C0085548, MeSH D017044, MONDO:0009889.

Allele frequency attached by ClinVar (database versions not stated): gnomAD exomes 0.00005 and 0.00014; gnomAD 0.00009; ExAC 0.00010; 1000 Genomes Project 30x 0.00016; TOPMed 0.00017; 1000 Genomes Project 0.00020.
gnomAD v4.1: 100 of 1,613,618 alleles (0.0062%); highest among the groups gnomAD compares: Middle Eastern, 0.28%; no homozygotes.

Submissions (7):

PreventionGenetics, part of Exact Sciences
Classification: Uncertain significance for PKHD1-related condition. Last evaluated: 2026-05-06. Review status: criteria provided, single submitter. Criteria: ACMG Guidelines, 2015. Collection method: clinical testing. Allele origin: germline.
Comment: The PKHD1 c.10354A>G variant is predicted to result in the amino acid substitution p.Thr3452Ala. To our knowledge, this variant has not been reported in the literature. This variant is reported in 0.051% of alleles in individuals of Latino descent in gnomAD. Although we suspect this variant may be benign, at this time, the clinical significance of this variant is uncertain due to the absence of conclusive functional and genetic evidence.

Labcorp Genetics (formerly Invitae), Labcorp
Classification: Likely benign for Autosomal recessive polycystic kidney disease. Last evaluated: 2026-01-25. Review status: criteria provided, single submitter. Criteria: Invitae Variant Classification Sherloc (09022015). Collection method: clinical testing. Allele origin: germline.

Blueprint Genetics
Classification: Likely benign. Last evaluated: 2024-08-22. Review status: criteria provided, single submitter. Criteria: ACMG Guidelines, 2015. Collection method: clinical testing. Allele origin: germline.

Genomic Medicine Center of Excellence, King Faisal Specialist Hospital and Research Centre
Classification: Uncertain significance for Polycystic kidney disease 4. Last evaluated: 2024-03-29. Review status: criteria provided, single submitter. Criteria: ACMG Guidelines, 2015. Collection method: clinical testing. Allele origin: germline.

Fulgent Genetics
Classification: Likely benign for Polycystic kidney disease 4. Last evaluated: 2024-02-26. Review status: criteria provided, single submitter. Criteria: ACMG Guidelines, 2015. Collection method: clinical testing. Allele origin: germline.

Eurofins Ntd Llc (ga)
Classification: Uncertain significance. Last evaluated: 2018-01-09. Review status: criteria provided, single submitter. Criteria: EGL Classification Definitions 2015. Collection method: clinical testing. Allele origin: germline. Observed: 4 variant alleles, 3 heterozygotes, 1 homozygote.

Natera, Inc.
Classification: Uncertain significance for Autosomal recessive polycystic kidney disease. Last evaluated: 2017-11-17. Review status: no assertion criteria provided. Collection method: clinical testing. Allele origin: germline. Not counted in ClinVar's aggregate classification.

NM_138694.4(PKHD1):c.10354A>G (p.Thr3452Ala)

Gene: PKHD1 (PKHD1 ciliary IPT domain containing fibrocystin/polyductin; minus strand). Cytogenetic location: 6p12.3.
Variant type: single nucleotide variant.
Coding change: c.10354A>G on transcript NM_138694.4 (MANE Select); coding-DNA position 10354, A replaced by G.
Protein change: p.Thr3452Ala; replaces threonine 3452 with alanine.
Molecular consequence: missense variant.
Genome position (GRCh38, 1-based): chr6:51,659,772, T>C on the plus strand (A>G on the coding strand, the complement: PKHD1 is on the minus strand). VCF-style: chr6-51659772-T-C. GRCh37 (hg19) VCF-style: chr6-51524570-T-C.
Other names: short protein forms T3452A.
Identifiers: ClinVar variation 498158 (VCV000498158.20), dbSNP rs562503637, ClinGen allele CA3851095.
Genomic context (GRCh38, chr6:51,659,772, plus strand): 5'-AGACTTTGGTGATTTGCCTGATGGGTAAGATAGAATAGAAAGTAGACACTGACCCAGAAG[T>C]AGAGCAGGGAATATTGGCATTTACACTGCTAAAGACATCAACAAAACCACTAGTCACAGA-3'
Protein context (NP_619639.3, residues 3442-3462): SSVNANIPCS[Thr3452Ala]SGSVSTFYSI